The following is an entry in ClinVar:

ClinVar aggregate classification (germline): Likely benign (1 of 4 stars; one submission).

Conditions:
C1QBP-related disorder. Also called: C1QBP-related condition.

Submission:

PreventionGenetics, part of Exact Sciences
Classification: Likely benign for C1QBP-related condition. Last evaluated: 2025-09-24. Review status: criteria provided, single submitter. Criteria: ACMG Guidelines, 2015. Collection method: clinical testing. Allele origin: germline.
Comment: This variant is classified as likely benign based on ACMG/AMP sequence variant interpretation guidelines (Richards et al. 2015 PMID: 25741868, with internal and published modifications).

NM_001212.4(C1QBP):c.492A>C (p.Ser164=)

Gene: C1QBP (complement C1q binding protein; minus strand). Cytogenetic location: 17p13.2.
Variant type: single nucleotide variant.
Coding change: c.492A>C on transcript NM_001212.4 (MANE Select); coding-DNA position 492, A replaced by C.
Protein change: p.Ser164=; no amino-acid change (serine 164 retained).
Molecular consequence: synonymous variant.
Genome position (GRCh38, 1-based): chr17:5,433,753, T>G on the plus strand (A>C on the coding strand, the complement: C1QBP is on the minus strand). VCF-style: chr17-5433753-T-G. GRCh37 (hg19) VCF-style: chr17-5337073-T-G.
Identifiers: ClinVar variation 4994274 (VCV004994274.1).
Genomic context (GRCh38, chr17:5,433,753, plus strand): 5'-CAACACAAGGGCCTTCTTGCCATCATCATTCTTTATAACTTCAACCACGAAATTGGGAGT[T>G]GATGTCAGTTCAGGCTGGGGAAACAAGAAGTCAATACATGCTGCTGCTGGAAGGAGATGG-3'
Protein context (NP_001203.1, residues 154-174): KVEEQEPELT[Ser164=]TPNFVVEVIK